The following is an entry in ClinVar:

ClinVar aggregate classification (germline): Conflicting classifications of pathogenicity. Review status: criteria provided, conflicting classifications (1 of 4 stars). 19 submissions from 18 submitters: Uncertain significance (1); Benign (6); Likely benign (8). 4 of the submissions do not count toward it. Last evaluated 2026-03-04.

Conditions:
Breast and/or ovarian cancer. Identifiers: MedGen CN221562.
BRCA2-related disorder. Also called: BRCA2-related condition; BRCA2-related disorders. Identifiers: MedGen CN239275.
Hereditary cancer-predisposing syndrome. Also called: Hereditary neoplastic syndrome; Tumor predisposition; Hereditary Cancer Syndrome; Neoplastic Syndromes, Hereditary. Identifiers: Orphanet 140162, MedGen C0027672, MeSH D009386, MONDO:0015356.
Breast neoplasm. Also called: Breast Neoplasms; Neoplasm of the breast; Neoplasm of breast; Breast tumor. Identifiers: MedGen C1458155, MeSH D001943, MONDO:0021100, HP:0100013. Disease mechanism: gain of function.
Hereditary breast ovarian cancer syndrome. Also called: Breast and ovarian cancer; Hereditary breast and/or ovarian cancer syndrome; BRCA1- and BRCA2-Associated Hereditary Breast and Ovarian Cancer; Hereditary breast and ovarian cancer syndrome; Hereditary breast and ovarian cancer; Hereditary breast and ovarian cancer syndrome (HBOC). Identifiers: Orphanet 145, MedGen C0677776, MeSH D061325, MONDO:0003582. Disease mechanism: loss of function.
Fanconi anemia complementation group D1. Also called: BRCA2-Related Fanconi Anemia. Identifiers: Orphanet 319462, MedGen C1838457, MONDO:0011584, OMIM 605724.
Breast-ovarian cancer, familial, susceptibility to, 2 (BROVCA2). Also called: BRCA2 Hereditary Breast and Ovarian Cancer. Identifiers: Orphanet 145, MedGen C2675520, MONDO:0012933, OMIM 612555. Disease mechanism: loss of function.
Malignant tumor of breast. Also called: Cancer breast; Malignant breast neoplasm. Identifiers: MedGen C0006142, MONDO:0007254. Disease mechanism: loss of function.

Allele frequency attached by ClinVar (database versions not stated): gnomAD 0.00001; TOPMed 0.00002; 1000 Genomes Project 30x 0.00047; 1000 Genomes Project 0.00060.
gnomAD v4.1: 228 of 1,613,582 alleles (0.014%); highest among the groups gnomAD compares: East Asian, 0.5%; 3 homozygotes.

Submissions 1 to 18 of 19:

Dasa
Classification: Benign for Breast-ovarian cancer, familial, susceptibility to, 2. Last evaluated: 2026-03-04. Review status: criteria provided, single submitter. Criteria: DASA Assertion Criteria. Collection method: clinical testing. Allele origin: germline.
Comment: NM_000059.4(BRCA2):c.6131G>T (p.Gly2044Val) is a missense variant that results in the substitution of glycine with valine. Population frequency is inconsistent with a disease-causing role for this variant, and observations in unaffected individuals support a benign interpretation. Therefore, based on the currently available evidence, this variant is classified as benign.

Labcorp Genetics (formerly Invitae), Labcorp
Classification: Benign for Hereditary breast ovarian cancer syndrome. Last evaluated: 2026-01-29. Review status: criteria provided, single submitter. Criteria: Invitae Variant Classification Sherloc (09022015). Collection method: clinical testing. Allele origin: germline.

PreventionGenetics, part of Exact Sciences
Classification: Likely benign for BRCA2-related condition. Last evaluated: 2025-05-20. Review status: criteria provided, single submitter. Criteria: ACMG Guidelines, 2015. Collection method: clinical testing. Allele origin: germline.
Comment: This variant is classified as likely benign based on ACMG/AMP sequence variant interpretation guidelines (Richards et al. 2015 PMID: 25741868, with internal and published modifications).

University of Washington Department of Laboratory Medicine, University of Washington
Classification: Likely benign for Hereditary cancer-predisposing syndrome. Last evaluated: 2023-03-23. Review status: criteria provided, single submitter. Criteria: Dines et al. (Genet Med. 2020). Collection method: curation. Allele origin: germline.
Comment: Missense variant in a coldspot region where missense variants are very unlikely to be pathogenic (PMID:31911673).

BRCA2 exon 11 coldspot. Reclassification based on statistical prior probability.

CHEO Genetics Diagnostic Laboratory, Children's Hospital of Eastern Ontario
Classification: Likely benign for Breast and/or ovarian cancer. Last evaluated: 2022-07-18. Review status: criteria provided, single submitter. Criteria: ACMG Guidelines, 2015. Collection method: clinical testing. Allele origin: germline.

GeneDx
Classification: Likely benign. Last evaluated: 2020-10-27. Review status: criteria provided, single submitter. Criteria: GeneDx Variant Classification Process June 2021. Collection method: clinical testing. Allele origin: germline. Affected: yes.
Comment: This variant is associated with the following publications: (PMID: 26332594, 15168169, 29192238, 17100994, 21218378, 19016756, 16949048, 24884479, 12624724, 25802882, 18779604, 26315209, 27383479, 27124784, 28111427, 23555315, 24843434, 30415210, 29802286, 31131967, 32486089)

Quest Diagnostics Nichols Institute San Juan Capistrano
Classification: Likely benign. Last evaluated: 2019-07-16. Review status: criteria provided, single submitter. Criteria: Quest Diagnostics criteria. Collection method: clinical testing. Allele origin: germline.

Women's Health and Genetics/Laboratory Corporation of America, LabCorp
Classification: Benign. Last evaluated: 2019-06-18. Review status: criteria provided, single submitter. Criteria: LabCorp Variant Classification Summary - May 2015. Collection method: clinical testing. Allele origin: germline.
Comment: Variant summary: BRCA2 c.6131G>T (p.Gly2044Val) results in a non-conservative amino acid change in the encoded protein sequence. Three of five in-silico tools predict a benign effect of the variant on protein function. The variant allele was found at a frequency of 4.4e-05 in 251324 control chromosomes (gnomAD). This frequency is not higher than expected for a pathogenic variant in BRCA2 causing Hereditary Breast and Ovarian Cancer (4.4e-05 vs 0.00075), allowing no conclusion about variant significance. The variant, c.6131G>T, has been reported in the literature in individuals affected with Hereditary Breast and Ovarian Cancer, predominantly Japanese and Korean ethnicities, along with the variant co-occurring with different pathogenic variants (Silva_2015; Ohmoto_2018; BIC database; internal database), providing supporting evidence for a benign role. To our knowledge, no experimental evidence demonstrating an impact on protein function has been reported. Four ClinVar submissions from other clinical diagnostic laboratories (evaluation after 2014) cite the variant as likely benign. Based on the evidence outlined above, the variant was classified as benign.

Mendelics
Classification: Likely benign for Breast-ovarian cancer, familial, susceptibility to, 2. Last evaluated: 2019-05-28. Review status: criteria provided, single submitter. Criteria: Mendelics Assertion Criteria 2017. Collection method: clinical testing. Allele origin: unknown.

Illumina Laboratory Services, Illumina
Classification: Benign for Breast-ovarian cancer, familial, susceptibility to, 2. Last evaluated: 2017-04-28. Review status: criteria provided, single submitter. Criteria: ICSL Variant Classification Criteria 13 December 2019. Collection method: clinical testing. Allele origin: germline.
Comment: This variant was observed as part of a predisposition screen in an ostensibly healthy population. A literature search was performed for the gene, cDNA change, and amino acid change (where applicable). No publications were found based on this search. Allele frequency data from public databases was too high to be consistent with this variant causing disease. Therefore, this variant is classified as benign.

Illumina Laboratory Services, Illumina
Classification: Benign for Fanconi anemia complementation group D1. Last evaluated: 2017-04-28. Review status: criteria provided, single submitter. Criteria: ICSL Variant Classification Criteria 13 December 2019. Collection method: clinical testing. Allele origin: germline.
Comment: the same text as in the submission from Illumina Laboratory Services, Illumina above.

Genetic Services Laboratory, University of Chicago
Classification: Likely benign. Last evaluated: 2016-12-20. Review status: criteria provided, single submitter. Criteria: ACMG Guidelines, 2015. Collection method: clinical testing. Allele origin: germline. Affected: no.

Color Diagnostics, LLC DBA Color Health
Classification: Likely benign for Hereditary cancer-predisposing syndrome. Last evaluated: 2015-04-25. Review status: criteria provided, single submitter. Criteria: ACMG Guidelines, 2015. Collection method: clinical testing. Allele origin: germline.

Ambry Genetics
Classification: Benign for Hereditary cancer-predisposing syndrome. Last evaluated: 2014-11-19. Review status: criteria provided, single submitter. Criteria: Ambry Variant Classification Scheme 2023. Collection method: clinical testing. Allele origin: germline.

Clinical and Functional Genomics Group, A.C.Camargo Cancer Center
Classification: Uncertain significance for Breast Cancer. Review status: criteria provided, single submitter. Criteria: Silva et al. (BMC Med Genet. 2014). Collection method: research. Allele origin: germline. Affected: yes.

Counsyl
Classification: Likely benign for Breast-ovarian cancer, familial 2. Last evaluated: 2014-05-10. Review status: no assertion criteria provided. Collection method: literature only. Allele origin: unknown. Inheritance: Autosomal dominant inheritance. Not counted in ClinVar's aggregate classification.

Sharing Clinical Reports Project (SCRP)
Classification: Benign for Breast-ovarian cancer, familial 2. Last evaluated: 2011-03-02. Review status: no assertion criteria provided. Collection method: clinical testing. Allele origin: germline. Not counted in ClinVar's aggregate classification.

Breast Cancer Information Core (BIC) (BRCA2)
Classification: Uncertain significance for Breast-ovarian cancer, familial 2. Last evaluated: 2002-05-29. Review status: no assertion criteria provided. Collection method: clinical testing. Allele origin: germline. Affected: yes. Observed: 10 variant alleles. Not counted in ClinVar's aggregate classification.

NM_000059.4(BRCA2):c.6131G>T (p.Gly2044Val)

Gene: BRCA2 (BRCA2 DNA repair associated; plus strand). Cytogenetic location: 13q13.1.
Variant type: single nucleotide variant.
Coding change: c.6131G>T on transcript NM_000059.4 (MANE Select); coding-DNA position 6131, G replaced by T.
Protein change: p.Gly2044Val; replaces glycine 2044 with valine.
Molecular consequence: missense variant.
Genome position (GRCh38, 1-based): chr13:32,340,486, G>T. VCF-style: chr13-32340486-G-T. GRCh37 (hg19) VCF-style: chr13-32914623-G-T.
Other names: 6359G>T; short protein forms G2044V.
Identifiers: ClinVar variation 38021 (VCV000038021.37), dbSNP rs56191579, ClinGen allele CA023686.